The following is an entry in ClinVar:

ClinVar aggregate classification (germline): Uncertain significance (1 of 4 stars; one submission).

Conditions:
Genitopatellar syndrome (GTPTS). Also called: ABSENT PATELLAE, SCROTAL HYPOPLASIA, RENAL ANOMALIES, FACIAL DYSMORPHISM, AND MENTAL RETARDATION; Genitopatellar syndrome (GPS). Identifiers: Orphanet 85201, MedGen C1853566, MONDO:0011640, OMIM 606170.

Submission:

Labcorp Genetics (formerly Invitae), Labcorp
Classification: Uncertain significance for Genitopatellar syndrome. Last evaluated: 2022-05-13. Review status: criteria provided, single submitter. Criteria: Invitae Variant Classification Sherloc (09022015). Collection method: clinical testing. Allele origin: germline.
Comment: This variant has not been reported in the literature in individuals affected with KAT6B-related conditions. This variant is not present in population databases (gnomAD no frequency). This sequence change replaces glutamine, which is neutral and polar, with arginine, which is basic and polar, at codon 1593 of the KAT6B protein (p.Gln1593Arg). Algorithms developed to predict the effect of missense changes on protein structure and function are either unavailable or do not agree on the potential impact of this missense change (SIFT: "Tolerated"; PolyPhen-2: "Possibly Damaging"; Align-GVGD: "Class C0"). In summary, the available evidence is currently insufficient to determine the role of this variant in disease. Therefore, it has been classified as a Variant of Uncertain Significance.

NM_012330.4(KAT6B):c.4778A>G (p.Gln1593Arg)

Gene: KAT6B (lysine acetyltransferase 6B; plus strand). Cytogenetic location: 10q22.2.
Variant type: single nucleotide variant.
Coding change: c.4778A>G on transcript NM_012330.4 (MANE Select); coding-DNA position 4778, A replaced by G.
Protein change: p.Gln1593Arg; replaces glutamine 1593 with arginine.
Molecular consequence: missense variant.
Genome position (GRCh38, 1-based): chr10:75,029,602, A>G. VCF-style: chr10-75029602-A-G. GRCh37 (hg19) VCF-style: chr10-76789360-A-G.
Other names: c.4229A>G, p.Gln1410Arg (NM_001256468.2, NM_001370138.1); c.3902A>G, p.Gln1301Arg (NM_001256469.2, NM_001370139.1, NM_001370140.1 and 2 more transcripts); c.3740A>G, p.Gln1247Arg (NM_001370132.1); c.3089A>G, p.Gln1030Arg (NM_001370133.1); c.2693A>G, p.Gln898Arg (NM_001370134.1); c.2435A>G, p.Gln812Arg (NM_001370135.1); c.4778A>G, p.Gln1593Arg (NM_001370136.1, NM_001370137.1); c.3713A>G, p.Gln1238Arg (NM_001370143.1, NM_001370144.1); short protein forms Q1301R, Q812R, Q1593R, Q898R, Q1247R, Q1410R, Q1030R, Q1238R.
Identifiers: ClinVar variation 1994171 (VCV001994171.4), dbSNP rs2549205800, ClinGen allele CA377298629.